The following is an entry in ClinVar:

ClinVar aggregate classification (germline): Pathogenic (1 of 4 stars; one submission).

Submission:

Labcorp Genetics (formerly Invitae), Labcorp
Classification: Pathogenic. Last evaluated: 2024-04-29. Review status: criteria provided, single submitter. Criteria: Invitae Variant Classification Sherloc (09022015). Collection method: clinical testing. Allele origin: germline.
Comment: This sequence change falls in intron 52 of the COL11A1 gene. It does not directly change the encoded amino acid sequence of the COL11A1 protein. It affects a nucleotide within the consensus splice site. This variant is not present in population databases (gnomAD no frequency). This variant has been observed in individual(s) with autosomal dominant COL11A1-related conditions (Invitae). In at least one individual the variant was observed to be de novo. Variants that disrupt the consensus splice site are a relatively common cause of aberrant splicing (PMID: 17576681, 9536098). Algorithms developed to predict the effect of sequence changes on RNA splicing suggest that this variant may disrupt the consensus splice site. For these reasons, this variant has been classified as Pathogenic.

Literature cited by the submitters: PubMed 17576681; PubMed 9536098.

NM_001854.4(COL11A1):c.3978+4_3978+7del

Gene: COL11A1 (collagen type XI alpha 1 chain; minus strand). Cytogenetic location: 1p21.1.
Variant type: Microsatellite.
Coding change: c.3978+4_3978+7del on transcript NM_001854.4 (MANE Select); bases 4 to 7 of the intron after coding-DNA position 3978, 4 bases deleted (AGTA; older notation c.3978+4_3978+7delAGTA).
Molecular consequence: splice donor variant.
Genome position (GRCh38, 1-based): chr1:102,914,345-102,914,348, TACT deleted on the plus strand (AGTA on the coding strand, the reverse complement: COL11A1 is on the minus strand); deleting any 4 consecutive bases within chr1:102,914,345-102,914,352 gives the same sequence; the c. name uses the placement nearest the transcript's 3' end. VCF-style (leftmost placement, unchanged base first): chr1-102914344-ATACT-A. GRCh37 (hg19) VCF-style: chr1-103379900-ATACT-A.
Other names: c.3861+4_3861+7del (NM_001190709.2); c.4014+4_4014+7del (NM_080629.3); c.3630+4_3630+7del (NM_080630.4).
Identifiers: ClinVar variation 2816857 (VCV002816857.3), dbSNP rs2524478879, ClinGen allele CA2739275128.
Genomic context (GRCh38, chr1:102,914,344, plus strand): 5'-TTATTAACAATACAGAAATTGGAAACATTCACTCCAAAATAATTTCTTGATTTTTCCCTG[ATACT>A]TACTGCAGGGCCAGGTTCCCCAGGAGGACCAGGATCTCCAGGAAAACCAACAGGACCCTA-3'